The following is an entry in ClinVar:

NM_000213.5(ITGB4):c.5191A>G (p.Ile1731Val)

Genes: GALK1 (galactokinase 1; minus strand), ITGB4 (integrin subunit beta 4; plus strand). Cytogenetic location: 17q25.1.
Variant type: single nucleotide variant.
Coding change: c.5191A>G on transcript NM_000213.5 (MANE Select); coding-DNA position 5191, A replaced by G.
Protein change: p.Ile1731Val; replaces isoleucine 1731 with valine.
Molecular consequence: missense variant. On other transcripts: intron variant (1).
Genome position (GRCh38, 1-based): chr17:75,757,080, A>G. VCF-style: chr17-75757080-A-G. GRCh37 (hg19) VCF-style: chr17-73753161-A-G.
Other names: c.5140A>G, p.Ile1714Val (NM_001005619.2); c.4981A>G, p.Ile1661Val (NM_001005731.3, NM_001321123.2); c.4831A>G, p.Ile1611Val (NM_001438834.1); c.*22+954T>C (NM_001381985.1); short protein forms I1714V, I1611V, I1661V, I1731V.
Identifiers: ClinVar variation 4088489 (VCV004088489.2).

ClinVar aggregate classification (germline): Uncertain significance. Review status: criteria provided, multiple submitters, no conflicts (2 of 4 stars). 2 submissions from 2 submitters: Uncertain significance (2). Last evaluated 2025-08-12.

Conditions:
Inborn genetic diseases. Identifiers: MedGen C0950123, MeSH D030342.

gnomAD v4.1: 37 of 1,612,772 alleles (0.0023%); highest among the groups gnomAD compares: Non-Finnish European, 0.0027%; no homozygotes.

Submissions (2):

Ambry Genetics
Classification: Uncertain significance for Inborn genetic diseases. Last evaluated: 2025-08-12. Review status: criteria provided, single submitter. Criteria: Ambry Variant Classification Scheme 2023. Collection method: clinical testing. Allele origin: germline.

GeneDx
Classification: Uncertain significance. Last evaluated: 2025-06-05. Review status: criteria provided, single submitter. Criteria: GeneDx Variant Classification Process June 2021. Collection method: clinical testing. Allele origin: germline. Affected: yes.
Comment: Has not been previously published as pathogenic or benign to our knowledge; In silico analysis suggests that this missense variant does not alter protein structure/function